The following is an entry in ClinVar:

Conditions:
Long QT syndrome 5 (LQT5). Identifiers: Orphanet 101016, Orphanet 768, MedGen C1867904, MONDO:0013372, OMIM 613695.

Submission:

Roden Lab, Vanderbilt University Medical Center
No classification provided (evidence only). Condition: Long QT syndrome 5. Review status: no classification provided. Collection method: in vitro. Allele origin: not applicable. Functional consequence: Effect on ion channel function.
ClinVar note: "not provided" was previously submitted as the classification for the variant. However, the classification appeared to be based only on an observation of functional data so it was converted to no classification on 2025-07-30.

NM_000219.6(KCNE1):c.37C>A (p.Leu13Met)

Gene: KCNE1 (potassium voltage-gated channel subfamily E regulatory subunit 1; minus strand). Cytogenetic location: 21q22.12.
Variant type: single nucleotide variant.
Coding change: c.37C>A on transcript NM_000219.6 (MANE Select); coding-DNA position 37, C replaced by A.
Protein change: p.Leu13Met; replaces leucine 13 with methionine.
Molecular consequence: missense variant.
Genome position (GRCh38, 1-based): chr21:34,449,598, G>T on the plus strand (C>A on the coding strand, the complement: KCNE1 is on the minus strand). VCF-style: chr21-34449598-G-T. GRCh37 (hg19) VCF-style: chr21-35821896-G-T.
Other names: c.37C>A, p.Leu13Met (NM_001127668.4, NM_001127669.4, NM_001127670.4 and 4 more transcripts); short protein forms L13M.
Identifiers: ClinVar variation 3373854 (VCV003373854.2).